The following is an entry in ClinVar:

ClinVar aggregate classification (germline): Uncertain significance (1 of 4 stars; one submission).

Conditions:
Developmental and epileptic encephalopathy 94 (DEE94). Also called: CHD2-Related Neurodevelopmental Disorders; Epileptic encephalopathy, childhood-onset. Identifiers: Orphanet 1942, Orphanet 2382, MedGen C3809278, MONDO:0014150, OMIM 615369.

Submission:

Labcorp Genetics (formerly Invitae), Labcorp
Classification: Uncertain significance for Developmental and epileptic encephalopathy 94. Last evaluated: 2019-08-08. Review status: criteria provided, single submitter. Criteria: Invitae Variant Classification Sherloc (09022015). Collection method: clinical testing. Allele origin: germline.
Comment: This sequence change replaces lysine with arginine at codon 7 of the CHD2 protein (p.Lys7Arg). The lysine residue is moderately conserved and there is a small physicochemical difference between lysine and arginine. In summary, the available evidence is currently insufficient to determine the role of this variant in disease. Therefore, it has been classified as a Variant of Uncertain Significance. Algorithms developed to predict the effect of missense changes on protein structure and function are either unavailable or do not agree on the potential impact of this missense change (SIFT: "Tolerated"; PolyPhen-2: "Not Available"; Align-GVGD: "Class C0"). This variant has not been reported in the literature in individuals with CHD2-related conditions. This variant is not present in population databases (ExAC no frequency).

NM_001271.4(CHD2):c.20A>G (p.Lys7Arg)

Gene: CHD2 (chromodomain helicase DNA binding protein 2; plus strand). Cytogenetic location: 15q26.1.
Variant type: single nucleotide variant.
Coding change: c.20A>G on transcript NM_001271.4 (MANE Select); coding-DNA position 20, A replaced by G.
Protein change: p.Lys7Arg; replaces lysine 7 with arginine.
Molecular consequence: missense variant.
Genome position (GRCh38, 1-based): chr15:92,901,257, A>G. VCF-style: chr15-92901257-A-G. GRCh37 (hg19) VCF-style: chr15-93444487-A-G.
Other names: c.20A>G, p.Lys7Arg (NM_001042572.3); short protein forms K7R.
Identifiers: ClinVar variation 950790 (VCV000950790.8), dbSNP rs2052524601, ClinGen allele CA393892365.
Genomic context (GRCh38, chr15:92,901,257, plus strand): 5'-ACACAGATTCCCCCTCCCCCTTAATATTTAAGAATTAAAAGATGATGAGAAATAAGGACA[A>G]AAGCCAAGAGGAGGACAGTTCGCTACACAGCAATGCATCGAGGTATGAGCTATCAACTTT-3'
Protein context (NP_001262.3, residues 1-17): MMRNKD[Lys7Arg]SQEEDSSLHS